The following is an entry in ClinVar:

ClinVar aggregate classification (germline): Likely benign (1 of 4 stars; one submission).

Submission:

CeGaT Center for Human Genetics Tuebingen
Classification: Likely benign. Last evaluated: 2023-03-01. Review status: criteria provided, single submitter. Criteria: CeGaT Center For Human Genetics Tuebingen Variant Classification Criteria Version 2. Collection method: clinical testing. Allele origin: germline. Affected: yes. Observed: 1 variant allele.
Comment: CAMTA1: PM2:Supporting, BP4, BP7

NM_015215.4(CAMTA1):c.46-13127A>C

Gene: CAMTA1 (calmodulin binding transcription activator 1; plus strand). Cytogenetic location: 1p36.31.
Variant type: single nucleotide variant.
Coding change: c.46-13127A>C on transcript NM_015215.4 (MANE Select); 13127 bases into the intron before coding-DNA position 46, A replaced by C.
Molecular consequence: intron variant. On other transcripts: synonymous variant (1).
Genome position (GRCh38, 1-based): chr1:6,807,054, A>C. VCF-style: chr1-6807054-A-C. GRCh37 (hg19) VCF-style: chr1-6867114-A-C.
Other names: c.46-13127A>C (NM_001195563.2, NM_001349609.2, NM_001349610.2 and 3 more transcripts); c.117A>C, p.Pro39= (NM_001349627.2); c.26-18038A>C (NM_001349608.2, NM_001349612.2).
Identifiers: ClinVar variation 2638128 (VCV002638128.24), dbSNP rs2148291677, ClinGen allele CA2695197955.